The following is an entry in ClinVar:

NM_022051.3(EGLN1):c.820A>T (p.Ser274Cys)

Genes: EGLN1 (egl-9 family hypoxia inducible factor 1; minus strand), LOC129932769 (ATAC-STARR-seq lymphoblastoid active region 2730; plus strand). Cytogenetic location: 1q42.2.
Variant type: single nucleotide variant.
Coding change: c.820A>T on transcript NM_022051.3 (MANE Select); coding-DNA position 820, A replaced by T.
Protein change: p.Ser274Cys; replaces serine 274 with cysteine.
Molecular consequence: missense variant.
Genome position (GRCh38, 1-based): chr1:231,421,069, T>A on the plus strand (A>T on the coding strand, the complement: EGLN1 is on the minus strand). VCF-style: chr1-231421069-T-A. GRCh37 (hg19) VCF-style: chr1-231556815-T-A.
Other names: c.820A>T, p.Ser274Cys (NM_001377260.1, NM_001377261.1); short protein forms S274C.
Identifiers: ClinVar variation 1762464 (VCV001762464.3), dbSNP rs1238869724, ClinGen allele CA345235050.
Genomic context (GRCh38, chr1:231,421,069, plus strand): 5'-CATTGATTTTGTAGCTGCCCAGCTTCCCGTTACAGTGGCGTATCAGGTCGTCCATGCTGC[T>A]CATGAGCAGCCCAATGGTTTCGCAGCCGGGCTCCTTGCCCTCGATCCAGGTGATCTTATC-3'
Protein context (NP_071334.1, residues 264-284): PGCETIGLLM[Ser274Cys]SMDDLIRHCN

ClinVar aggregate classification (germline): Uncertain significance (1 of 4 stars; one submission).

Submission:

Ambry Genetics
Classification: Uncertain significance. Last evaluated: 2024-08-01. Review status: criteria provided, single submitter. Criteria: Ambry Variant Classification Scheme 2023. Collection method: clinical testing. Allele origin: germline.
Comment: The p.S274C variant (also known as c.820A>T), located in coding exon 1 of the EGLN1 gene, results from an A to T substitution at nucleotide position 820. The serine at codon 274 is replaced by cysteine, an amino acid with dissimilar properties. This amino acid position is conserved. In addition, the in silico prediction for this alteration is inconclusive. Since supporting evidence is limited at this time, the clinical significance of this alteration remains unclear.